The following is an entry in ClinVar:

ClinVar aggregate classification (germline): Pathogenic (1 of 4 stars; one submission).

Conditions:
Fanconi anemia complementation group J. Also called: BRIP1-Related Fanconi Anemia. Identifiers: Orphanet 84, MedGen C1836860, MONDO:0012187, OMIM 609054.
Familial cancer of breast. Also called: BREAST CANCER, FAMILIAL; Hereditary breast cancer; hereditary breast carcinoma. Identifiers: Orphanet 227535, MedGen C0346153, MONDO:0016419, OMIM 114480. Disease mechanism: loss of function.

Submission:

Labcorp Genetics (formerly Invitae), Labcorp
Classification: Pathogenic for Familial cancer of breast; Fanconi anemia complementation group J. Last evaluated: 2023-08-08. Review status: criteria provided, single submitter. Criteria: Invitae Variant Classification Sherloc (09022015). Collection method: clinical testing. Allele origin: germline.
Comment: This variant has not been reported in the literature in individuals affected with BRIP1-related conditions. For these reasons, this variant has been classified as Pathogenic. Algorithms developed to predict the effect of sequence changes on RNA splicing suggest that this variant may disrupt the consensus splice site. This variant is not present in population databases (gnomAD no frequency). This sequence change creates a premature translational stop signal (p.Gln169*) in the BRIP1 gene. It is expected to result in an absent or disrupted protein product. Loss-of-function variants in BRIP1 are known to be pathogenic (PMID: 16116423, 17033622, 21964575).

Literature cited by the submitters: PubMed 16116423; PubMed 17033622; PubMed 21964575.

NM_032043.3(BRIP1):c.505C>T (p.Gln169Ter)

Gene: BRIP1 (BRCA1 interacting DNA helicase 1; minus strand). Cytogenetic location: 17q23.2.
Variant type: single nucleotide variant.
Coding change: c.505C>T on transcript NM_032043.3 (MANE Select); coding-DNA position 505, C replaced by T.
Protein change: p.Gln169Ter; replaces glutamine 169 with a stop codon.
Molecular consequence: nonsense.
Genome position (GRCh38, 1-based): chr17:61,849,131, G>A on the plus strand (C>T on the coding strand, the complement: BRIP1 is on the minus strand). VCF-style: chr17-61849131-G-A. GRCh37 (hg19) VCF-style: chr17-59926492-G-A.
Other names: short protein forms Q169*.
Identifiers: ClinVar variation 2937572 (VCV002937572.3), dbSNP rs2145761347, ClinGen allele CA400484350.